The following is an entry in ClinVar:

ClinVar aggregate classification (germline): Likely benign (1 of 4 stars; one submission).

gnomAD v4.1: 36 of 1,613,904 alleles (0.0022%); highest among the groups gnomAD compares: East Asian, 0.0045%; no homozygotes.

Submission:

CeGaT Center for Human Genetics Tuebingen
Classification: Likely benign. Last evaluated: 2025-09-01. Review status: criteria provided, single submitter. Criteria: CeGaT Center For Human Genetics Tuebingen Variant Classification Criteria Version 2. Collection method: clinical testing. Allele origin: germline. Affected: yes. Observed: 2 variant alleles.
Comment: DAB1: BP4, BP7

NM_001365792.1(DAB1):c.159C>T (p.Ser53=)

Gene: DAB1 (DAB adaptor protein 1; minus strand). Cytogenetic location: 1p32.2.
Variant type: single nucleotide variant.
Coding change: c.159C>T on transcript NM_001365792.1 (MANE Select); coding-DNA position 159, C replaced by T.
Protein change: p.Ser53=; no amino-acid change (serine 53 retained).
Molecular consequence: synonymous variant.
Genome position (GRCh38, 1-based): chr1:57,145,338, G>A on the plus strand (C>T on the coding strand, the complement: DAB1 is on the minus strand). VCF-style: chr1-57145338-G-A. GRCh37 (hg19) VCF-style: chr1-57611011-G-A.
Other names: c.159C>T, p.Ser53= (NM_001353980.2, NM_001353983.2, NM_001353985.2 and 7 more transcripts).
Identifiers: ClinVar variation 4083986 (VCV004083986.8).